The following is an entry in ClinVar:

NM_001105206.3(LAMA4):c.868T>G (p.Ser290Ala)

Gene: LAMA4 (laminin subunit alpha 4; minus strand). Cytogenetic location: 6q21.
Variant type: single nucleotide variant.
Coding change: c.868T>G on transcript NM_001105206.3 (MANE Select); coding-DNA position 868, T replaced by G.
Protein change: p.Ser290Ala; replaces serine 290 with alanine.
Molecular consequence: missense variant.
Genome position (GRCh38, 1-based): chr6:112,187,548, A>C on the plus strand (T>G on the coding strand, the complement: LAMA4 is on the minus strand). VCF-style: chr6-112187548-A-C. GRCh37 (hg19) VCF-style: chr6-112508750-A-C.
Other names: c.847T>G, p.Ser283Ala (NM_001105207.3, NM_002290.5); c.847T>G (NM_002290.4); short protein forms S283A, S290A.
Identifiers: ClinVar variation 1037352 (VCV001037352.12), dbSNP rs782433369, ClinGen allele CA3966007.

ClinVar aggregate classification (germline): Uncertain significance. Review status: criteria provided, multiple submitters, no conflicts (2 of 4 stars). 4 submissions from 4 submitters: Uncertain significance (4). Last evaluated 2025-11-10.

Conditions:
LAMA4-related disorder. Also called: LAMA4-related condition.
Cardiovascular phenotype. Identifiers: MedGen CN230736.
Dilated cardiomyopathy 1JJ (CMD1JJ). Identifiers: Orphanet 154, MedGen C3808935, MONDO:0014095, OMIM 615235.

Allele frequency attached by ClinVar (database versions not stated): TOPMed 0.00002.
gnomAD v4.1: 5 of 1,613,930 alleles (0.00031%); highest among the groups gnomAD compares: East Asian, 0.0022%; no homozygotes.

Submissions (4):

PreventionGenetics, part of Exact Sciences
Classification: Uncertain significance for LAMA4-related condition. Last evaluated: 2025-11-10. Review status: criteria provided, single submitter. Criteria: ACMG Guidelines, 2015. Collection method: clinical testing. Allele origin: germline.
Comment: The LAMA4 c.847T>G variant is predicted to result in the amino acid substitution p.Ser283Ala. To our knowledge, this variant has not been reported in the literature. This variant is reported in 0.0023% of alleles in individuals of European (Non-Finnish) descent in gnomAD. At this time, the clinical significance of this variant is uncertain due to the absence of conclusive functional and genetic evidence.

Fulgent Genetics
Classification: Uncertain significance for Dilated cardiomyopathy 1JJ. Last evaluated: 2021-08-31. Review status: criteria provided, single submitter. Criteria: ACMG Guidelines, 2015. Collection method: clinical testing. Allele origin: unknown.

Labcorp Genetics (formerly Invitae), Labcorp
Classification: Uncertain significance for Dilated cardiomyopathy 1JJ. Last evaluated: 2020-07-07. Review status: criteria provided, single submitter. Criteria: Invitae Variant Classification Sherloc (09022015). Collection method: clinical testing. Allele origin: germline.
Comment: In summary, the available evidence is currently insufficient to determine the role of this variant in disease. Therefore, it has been classified as a Variant of Uncertain Significance. Algorithms developed to predict the effect of missense changes on protein structure and function output the following: SIFT: "Tolerated"; PolyPhen-2: "Benign"; Align-GVGD: "Class C0". The alanine amino acid residue is found in multiple mammalian species, suggesting that this missense change does not adversely affect protein function. These predictions have not been confirmed by published functional studies and their clinical significance is uncertain. This variant has not been reported in the literature in individuals with LAMA4-related conditions. This variant is present in population databases (rs782433369, ExAC 0.001%). This sequence change replaces serine with alanine at codon 283 of the LAMA4 protein (p.Ser283Ala). The serine residue is moderately conserved and there is a moderate physicochemical difference between serine and alanine.

Ambry Genetics
Classification: Uncertain significance for Cardiovascular phenotype. Last evaluated: 2019-07-11. Review status: criteria provided, single submitter. Criteria: Ambry Variant Classification Scheme 2023. Collection method: clinical testing. Allele origin: germline.
Comment: The p.S283A variant (also known as c.847T>G), located in coding exon 7 of the LAMA4 gene, results from a T to G substitution at nucleotide position 847. The serine at codon 283 is replaced by alanine, an amino acid with similar properties. This amino acid position is not well conserved in available vertebrate species, and alanine is the reference amino acid in other vertebrate species. In addition, this alteration is predicted to be tolerated by in silico analysis. Since supporting evidence is limited at this time, the clinical significance of this alteration remains unclear.